The following is an entry in ClinVar:

ClinVar aggregate classification (germline): Likely pathogenic (1 of 4 stars; one submission).

Submission:

Dasa
Classification: Likely pathogenic. Last evaluated: 2025-04-08. Review status: criteria provided, single submitter. Criteria: DASA Assertion Criteria. Collection method: clinical testing. Allele origin: germline.
Comment: NM_031844.3(HNRNPU):c.603del (p.Ala203Argfs*136) is a frameshift variant in HNRNPU predicted to alter the reading frame and introduce a premature termination codon and is predicted to result in an absent or altered protein product. Loss of function is an established disease mechanism for HNRNPU (PMID: 28944577; PMID: 28815871; PMID: 28393272). Also, this variant is absent from population databases. Based on the currently available evidence, this variant is classified as likely pathogenic.

Literature cited by the submitters: PubMed 28944577; PubMed 28815871; PubMed 28393272.

NM_031844.3(HNRNPU):c.603del (p.Ala203fs)

Gene: HNRNPU (heterogeneous nuclear ribonucleoprotein U; minus strand). Cytogenetic location: 1q44.
Variant type: Deletion.
Coding change: c.603del on transcript NM_031844.3 (MANE Select); coding-DNA position 603, one base deleted (C; older notation c.603delC).
Protein change: p.Ala203fs; shifts the reading frame from alanine 203.
Molecular consequence: frameshift variant.
Genome position (GRCh38, 1-based): chr1:244,863,705, G deleted on the plus strand (C on the coding strand, the reverse complement: HNRNPU is on the minus strand); the first of 3 consecutive G bases (chr1:244,863,705-244,863,707); deleting any one gives the same sequence. VCF-style (leftmost placement, unchanged base first): chr1-244863704-CG-C. GRCh37 (hg19) VCF-style: chr1-245027006-CG-C.
Other names: c.603del, p.Ala203fs (NM_004501.3); short protein forms A203fs.
Identifiers: ClinVar variation 4886450 (VCV004886450.2).